The following is an entry in ClinVar:

ClinVar aggregate classification (germline): Pathogenic (1 of 4 stars; one submission).

Conditions:
Inborn genetic diseases. Identifiers: MedGen C0950123, MeSH D030342.

Submission:

Ambry Genetics
Classification: Pathogenic for Inborn genetic diseases. Last evaluated: 2022-09-02. Review status: criteria provided, single submitter. Criteria: Ambry Variant Classification Scheme 2023. Collection method: clinical testing. Allele origin: germline.
Comment: The c.4837C>T (p.Q1613*) alteration, located in exon 8 (coding exon 8) of the ZNF292 gene, consists of a C to T substitution at nucleotide position 4837. This changes the amino acid from a glutamine (Q) to a stop codon at amino acid position 1613. This alteration occurs at the 3' terminus of the ZNF292 gene, is not expected to trigger nonsense-mediated mRNA decay, and impacts the last ~40% of the protein. Premature stop codons are typically deleterious in nature, the impacted region is critical for protein function, and a significant portion of the protein is affected (Ambry internal data). Based on the available evidence, this alteration is classified as pathogenic.

NM_015021.3(ZNF292):c.4837C>T (p.Gln1613Ter)

Gene: ZNF292 (zinc finger protein 292; plus strand). Cytogenetic location: 6q14.3.
Variant type: single nucleotide variant.
Coding change: c.4837C>T on transcript NM_015021.3 (MANE Select); coding-DNA position 4837, C replaced by T.
Protein change: p.Gln1613Ter; replaces glutamine 1613 with a stop codon.
Molecular consequence: nonsense.
Genome position (GRCh38, 1-based): chr6:87,258,466, C>T. VCF-style: chr6-87258466-C-T. GRCh37 (hg19) VCF-style: chr6-87968184-C-T.
Other names: c.4417C>T, p.Gln1473Ter (NM_001351444.2); short protein forms Q1473*, Q1613*.
Identifiers: ClinVar variation 2305738 (VCV002305738.2), dbSNP rs2482334414, ClinGen allele CA364928413.